The following is an entry in ClinVar:

NM_001365276.2(TNXB):c.3715C>T (p.Leu1239Phe)

Gene: TNXB (tenascin XB; minus strand). Cytogenetic location: 6p21.33.
Variant type: single nucleotide variant.
Coding change: c.3715C>T on transcript NM_001365276.2 (MANE Select); coding-DNA position 3715, C replaced by T.
Protein change: p.Leu1239Phe; replaces leucine 1239 with phenylalanine.
Molecular consequence: missense variant.
Genome position (GRCh38, 1-based): chr6:32,082,057, G>A on the plus strand (C>T on the coding strand, the complement: TNXB is on the minus strand). VCF-style: chr6-32082057-G-A. GRCh37 (hg19) VCF-style: chr6-32049834-G-A.
Other names: c.3715C>T, p.Leu1239Phe (NM_019105.8); short protein forms L1239F.
Identifiers: ClinVar variation 3327902 (VCV003327902.1).

ClinVar aggregate classification (germline): Uncertain significance (1 of 4 stars; one submission).

Conditions:
Cardiovascular phenotype. Identifiers: MedGen CN230736.

gnomAD v4.1: 3 of 1,606,468 alleles (0.00019%); highest among the groups gnomAD compares: African/African-American, 0.0027%; no homozygotes.

Submission:

Ambry Genetics
Classification: Uncertain significance for Cardiovascular phenotype. Last evaluated: 2024-05-03. Review status: criteria provided, single submitter. Criteria: Ambry Variant Classification Scheme 2023. Collection method: clinical testing. Allele origin: germline.
Comment: The p.L1239F variant (also known as c.3715C>T), located in coding exon 8 of the TNXB gene, results from a C to T substitution at nucleotide position 3715. The leucine at codon 1239 is replaced by phenylalanine, an amino acid with highly similar properties. This amino acid position is conserved. In addition, this alteration is predicted to be tolerated by in silico analysis. Based on the available evidence, the clinical significance of this variant remains unclear.